The following is an entry in ClinVar:

ClinVar aggregate classification (germline): Uncertain significance. Review status: criteria provided, multiple submitters, no conflicts (2 of 4 stars). 2 submissions from 2 submitters: Uncertain significance (2). Last evaluated 2024-10-29.

Allele frequency attached by ClinVar (database versions not stated): gnomAD exomes 0.00001; ExAC 0.00002; gnomAD 0.00003 and 0.00004; TOPMed 0.00003.
gnomAD v4.1: 63 of 1,612,802 alleles (0.0039%); highest among the groups gnomAD compares: Non-Finnish European, 0.0052%; no homozygotes.

Submissions (2):

Labcorp Genetics (formerly Invitae), Labcorp
Classification: Uncertain significance. Last evaluated: 2024-10-29. Review status: criteria provided, single submitter. Criteria: Invitae Variant Classification Sherloc (09022015). Collection method: clinical testing. Allele origin: germline.
Comment: This sequence change replaces proline, which is neutral and non-polar, with alanine, which is neutral and non-polar, at codon 786 of the CACNA2D4 protein (p.Pro786Ala). This variant is present in population databases (rs756041059, gnomAD 0.003%). This variant has not been reported in the literature in individuals affected with CACNA2D4-related conditions. ClinVar contains an entry for this variant (Variation ID: 861200). An algorithm developed to predict the effect of missense changes on protein structure and function (PolyPhen-2) suggests that this variant is likely to be tolerated. In summary, the available evidence is currently insufficient to determine the role of this variant in disease. Therefore, it has been classified as a Variant of Uncertain Significance.

Blueprint Genetics
Classification: Uncertain significance. Last evaluated: 2017-06-12. Review status: criteria provided, single submitter. Criteria: ACMG Guidelines, 2015. Collection method: clinical testing. Allele origin: germline.

NM_172364.5(CACNA2D4):c.2356C>G (p.Pro786Ala)

Gene: CACNA2D4 (calcium voltage-gated channel auxiliary subunit alpha2delta 4; minus strand). Cytogenetic location: 12p13.33.
Variant type: single nucleotide variant.
Coding change: c.2356C>G on transcript NM_172364.5 (MANE Select); coding-DNA position 2356, C replaced by G.
Protein change: p.Pro786Ala; replaces proline 786 with alanine.
Molecular consequence: missense variant.
Genome position (GRCh38, 1-based): chr12:1,844,516, G>C on the plus strand (C>G on the coding strand, the complement: CACNA2D4 is on the minus strand). VCF-style: chr12-1844516-G-C. GRCh37 (hg19) VCF-style: chr12-1953682-G-C.
Other names: short protein forms P786A.
Identifiers: ClinVar variation 861200 (VCV000861200.10), dbSNP rs756041059, ClinGen allele CA6386724.
Genomic context (GRCh38, chr12:1,844,516, plus strand): 5'-AGGCCTGGCGGTACCACAGCGGGAAGCGGTCCAGGGTGAACACGCTGGCCTCGTCCTCAG[G>C]TGTCAGGAACTTCCTGCAAGGAGGAAGATGTGGTACCTCTCCCCAGATCTGTGAACACAG-3'
Protein context (NP_758952.4, residues 776-796): EKVSDRKFLT[Pro786Ala]EDEASVFTLD